The following is an entry in ClinVar:

NM_213653.4(HJV):c.2del (p.Met1fs)

Gene: HJV (hemojuvelin BMP co-receptor; minus strand). Cytogenetic location: 1q21.1.
Variant type: Deletion.
Coding change: c.2del on transcript NM_213653.4 (MANE Select); coding-DNA position 2, one base deleted (T; older notation c.2delT).
Protein change: p.Met1fs; shifts the reading frame from methionine 1.
Molecular consequence: frameshift variant, initiator codon variant. On other transcripts: 5 prime UTR variant (1), intron variant (3).
Genome position (GRCh38, 1-based): chr1:146,020,230, A deleted on the plus strand (T on the coding strand, the reverse complement: HJV is on the minus strand). VCF-style (leftmost placement, unchanged base first): chr1-146020229-CA-C. GRCh37 (hg19) VCF-style: chr1-145414782-AT-A.
Other names: c.-154del (NM_001316767.2); c.2del, p.Met1fs (NM_001379352.1); c.-22+1357del (NM_213652.4); c.-58-496del (NM_202004.4); c.-242-496del (NM_145277.5); short protein forms M1fs.
Identifiers: ClinVar variation 4069253 (VCV004069253.2).

ClinVar aggregate classification (germline): Likely pathogenic (1 of 4 stars; one submission).

Conditions:
Hemochromatosis type 2A (HFE2A). Also called: HJV (HFE2)-Related Juvenile Hemochromatosis; Adult-Onset Hemochromatosis. Identifiers: Orphanet 79230, MedGen C1865614, MONDO:0011216, OMIM 602390.

Submission:

Natera, Inc.
Classification: Likely pathogenic for Hemochromatosis type 2A. Last evaluated: 2025-04-20. Review status: criteria provided, single submitter. Criteria: Natera Variant Classification Schema (03/2026). Collection method: clinical testing. Allele origin: germline.
Comment: The c.2del variant in HJV is predicted to result in start loss due to disruption of the initiator methionine. This variant is expected to result in nonsense mediated decay, truncation, or a dysfunctional protein product. This variant is rare in the general population with a frequency below the threshold expected for the associated phenotype(s). Given the available evidence, this variant is classified as Likely Pathogenic.